The following is an entry in ClinVar:

NM_000489.6(ATRX):c.4808A>T (p.Gln1603Leu)

Gene: ATRX (ATRX chromatin remodeler; minus strand). Cytogenetic location: Xq21.1.
Variant type: single nucleotide variant.
Coding change: c.4808A>T on transcript NM_000489.6 (MANE Select); coding-DNA position 4808, A replaced by T.
Protein change: p.Gln1603Leu; replaces glutamine 1603 with leucine.
Molecular consequence: missense variant.
Genome position (GRCh38, 1-based): chrX:77,634,595, T>A on the plus strand (A>T on the coding strand, the complement: ATRX is on the minus strand). VCF-style: chrX-77634595-T-A. GRCh37 (hg19) VCF-style: chrX-76890086-T-A.
Other names: c.4694A>T, p.Gln1565Leu (NM_138270.5); short protein forms Q1565L, Q1603L.
Identifiers: ClinVar variation 3897499 (VCV003897499.1).

ClinVar aggregate classification (germline): Uncertain significance (1 of 4 stars; one submission).

Submission:

GeneDx
Classification: Uncertain significance. Last evaluated: 2024-11-01. Review status: criteria provided, single submitter. Criteria: GeneDx Variant Classification Process June 2021. Collection method: clinical testing. Allele origin: germline. Affected: yes.
Comment: Not observed at significant frequency in large population cohorts (gnomAD); In silico analysis supports that this missense variant has a deleterious effect on protein structure/function; In silico analysis supports a deleterious effect on splicing; Has not been previously published as pathogenic or benign to our knowledge